The following is an entry in ClinVar:

NM_000038.6(APC):c.6965A>C (p.Gln2322Pro)

Gene: APC (APC regulator of Wnt signaling pathway; plus strand). Cytogenetic location: 5q22.2.
Variant type: single nucleotide variant.
Coding change: c.6965A>C on transcript NM_000038.6 (MANE Select); coding-DNA position 6965, A replaced by C.
Protein change: p.Gln2322Pro; replaces glutamine 2322 with proline.
Molecular consequence: missense variant.
Genome position (GRCh38, 1-based): chr5:112,842,559, A>C. VCF-style: chr5-112842559-A-C. GRCh37 (hg19) VCF-style: chr5-112178256-A-C.
Other names: c.6965A>C, p.Gln2322Pro (NM_001127510.3, NM_001354895.2); c.6911A>C, p.Gln2304Pro (NM_001127511.3); c.7019A>C, p.Gln2340Pro (NM_001354896.2); c.6995A>C, p.Gln2332Pro (NM_001354897.2); c.6890A>C, p.Gln2297Pro (NM_001354898.2); c.6881A>C, p.Gln2294Pro (NM_001354899.2); c.6842A>C, p.Gln2281Pro (NM_001354900.2); c.6788A>C, p.Gln2263Pro (NM_001354901.2); and 5 more; short protein forms Q2322P, Q2304P, Q2297P, Q2340P, Q2039P, Q2196P, Q2221P, Q2231P.
Identifiers: ClinVar variation 631065 (VCV000631065.23), dbSNP rs1057517549, ClinGen allele CA16036521.
Genomic context (GRCh38, chr5:112,842,559, plus strand): 5'-CAGGATCTAGAGATTCGACCCCTTCAAGACCTGCCCAGCAACCATTAAGTAGACCTATAC[A>C]GTCTCCTGGCCGAAACTCAATTTCCCCTGGTAGAAATGGAATAAGTCCTCCTAACAAATT-3'
Protein context (NP_000029.2, residues 2312-2332): PAQQPLSRPI[Gln2322Pro]SPGRNSISPG

ClinVar aggregate classification (germline): Uncertain significance. Review status: criteria provided, multiple submitters, no conflicts (2 of 4 stars). 5 submissions from 5 submitters: Uncertain significance (5). Last evaluated 2025-06-04.

Conditions:
Classic or attenuated familial adenomatous polyposis. Identifiers: MedGen CN372698, MONDO:0021057.
Hereditary cancer-predisposing syndrome. Also called: Tumor predisposition; Neoplastic Syndromes, Hereditary; Hereditary neoplastic syndrome; Hereditary Cancer Syndrome. Identifiers: Orphanet 140162, MedGen C0027672, MeSH D009386, MONDO:0015356.
Familial adenomatous polyposis 1 (FAP1). Also called: POLYPOSIS, ADENOMATOUS INTESTINAL; FAMILIAL ADENOMATOUS POLYPOSIS 1, ATTENUATED. Identifiers: MedGen C2713442, MONDO:0021056, OMIM 175100. Disease mechanism: loss of function.

Submissions (5):

GeneDx
Classification: Uncertain significance. Last evaluated: 2025-06-04. Review status: criteria provided, single submitter. Criteria: GeneDx Variant Classification Process June 2021. Collection method: clinical testing. Allele origin: germline. Affected: yes.
Comment: Not observed at significant frequency in large population cohorts (gnomAD); In silico analysis suggests that this missense variant does not alter protein structure/function; Has not been previously published as pathogenic or benign to our knowledge; This variant is associated with the following publications: (PMID: 18199528)

Labcorp Genetics (formerly Invitae), Labcorp
Classification: Uncertain significance for Familial adenomatous polyposis 1. Last evaluated: 2025-05-19. Review status: criteria provided, single submitter. Criteria: Invitae Variant Classification Sherloc (09022015). Collection method: clinical testing. Allele origin: germline.
Comment: This sequence change replaces glutamine, which is neutral and polar, with proline, which is neutral and non-polar, at codon 2322 of the APC protein (p.Gln2322Pro). This variant is not present in population databases (gnomAD no frequency). This variant has not been reported in the literature in individuals affected with APC-related conditions. ClinVar contains an entry for this variant (Variation ID: 631065). Invitae Evidence Modeling of protein sequence and biophysical properties (such as structural, functional, and spatial information, amino acid conservation, physicochemical variation, residue mobility, and thermodynamic stability) indicates that this missense variant is not expected to disrupt APC protein function with a negative predictive value of 95%. In summary, the available evidence is currently insufficient to determine the role of this variant in disease. Therefore, it has been classified as a Variant of Uncertain Significance.

Ambry Genetics
Classification: Uncertain significance for Hereditary cancer-predisposing syndrome. Last evaluated: 2025-01-06. Review status: criteria provided, single submitter. Criteria: Ambry Variant Classification Scheme 2023. Collection method: clinical testing. Allele origin: germline.
Comment: The p.Q2322P variant (also known as c.6965A>C), located in coding exon 15 of the APC gene, results from an A to C substitution at nucleotide position 6965. The glutamine at codon 2322 is replaced by proline, an amino acid with similar properties. This amino acid position is highly conserved in available vertebrate species. In addition, in silico predictors for this gene do not accurately predict pathogenicity. Since supporting evidence is limited at this time, the clinical significance of this alteration remains unclear.

Color Diagnostics, LLC DBA Color Health
Classification: Uncertain significance for Hereditary cancer-predisposing syndrome. Last evaluated: 2024-03-06. Review status: criteria provided, single submitter. Criteria: ACMG Guidelines, 2015. Collection method: clinical testing. Allele origin: germline.
Comment: This missense variant replaces glutamine with proline at codon 2322 of the APC protein. Computational prediction suggests that this variant may not impact protein structure and function (internally defined REVEL score threshold <= 0.5, PMID: 27666373). To our knowledge, functional studies have not been reported for this variant. This variant has not been reported in individuals affected with hereditary cancer in the literature. This variant has not been identified in the general population by the Genome Aggregation Database (gnomAD). The available evidence is insufficient to determine the role of this variant in disease conclusively. Therefore, this variant is classified as a Variant of Uncertain Significance.

All of Us Research Program, National Institutes of Health
Classification: Uncertain significance for Classic or attenuated familial adenomatous polyposis. Last evaluated: 2024-03-05. Review status: criteria provided, single submitter. Criteria: ACMG Guidelines, 2015. Collection method: clinical testing. Allele origin: germline. Inheritance: Autosomal dominant inheritance. Observed: 1 variant allele, 1 heterozygote.
Comment: This missense variant replaces glutamine with proline at codon 2322 of the APC protein. Computational prediction suggests that this variant may not impact protein structure and function (internally defined REVEL score threshold <= 0.5, PMID: 27666373). To our knowledge, functional studies have not been reported for this variant. This variant has not been reported in individuals affected with hereditary cancer in the literature. This variant has not been identified in the general population by the Genome Aggregation Database (gnomAD). The available evidence is insufficient to determine the role of this variant in disease conclusively. Therefore, this variant is classified as a Variant of Uncertain Significance.

This study involves interpretation of variants in research participants for the purpose of population health screening. Participant phenotype was not available at the time of variant classification. Additional details can be found in publication PMID: 35346344, PMCID: PMC8962531